The following is an entry in ClinVar:

ClinVar aggregate classification (germline): Uncertain significance (1 of 4 stars; one submission).

Conditions:
MEGF10-related myopathy (CMYO10A). Also called: Congenital myopathy 10A, severe variant. Identifiers: Orphanet 439212, MedGen C3280679, MONDO:0013731, OMIM 614399.

Allele frequency attached by ClinVar (database versions not stated): TOPMed below 0.00001; gnomAD 0.00001.
gnomAD v4.1: 2 of 1,613,132 alleles (0.00012%); highest among the groups gnomAD compares: Non-Finnish European, 0.00017%; no homozygotes.

Submission:

Labcorp Genetics (formerly Invitae), Labcorp
Classification: Uncertain significance for MEGF10-related myopathy. Last evaluated: 2022-07-30. Review status: criteria provided, single submitter. Criteria: Invitae Variant Classification Sherloc (09022015). Collection method: clinical testing. Allele origin: germline.
Comment: This variant is not present in population databases (gnomAD no frequency). In summary, the available evidence is currently insufficient to determine the role of this variant in disease. Therefore, it has been classified as a Variant of Uncertain Significance. Algorithms developed to predict the effect of missense changes on protein structure and function are either unavailable or do not agree on the potential impact of this missense change (SIFT: "Deleterious"; PolyPhen-2: "Benign"; Align-GVGD: "Class C0"). This variant has not been reported in the literature in individuals affected with MEGF10-related conditions. This sequence change replaces alanine, which is neutral and non-polar, with glutamic acid, which is acidic and polar, at codon 23 of the MEGF10 protein (p.Ala23Glu).

NM_001256545.2(MEGF10):c.68C>A (p.Ala23Glu)

Gene: MEGF10 (multiple EGF like domains 10; plus strand). Cytogenetic location: 5q23.2.
Variant type: single nucleotide variant.
Coding change: c.68C>A on transcript NM_001256545.2 (MANE Select); coding-DNA position 68, C replaced by A.
Protein change: p.Ala23Glu; replaces alanine 23 with glutamic acid.
Molecular consequence: missense variant.
Genome position (GRCh38, 1-based): chr5:127,331,376, C>A. VCF-style: chr5-127331376-C-A. GRCh37 (hg19) VCF-style: chr5-126667068-C-A.
Other names: c.68C>A, p.Ala23Glu (NM_001308119.2, NM_001308121.2, NM_032446.3); short protein forms A23E.
Identifiers: ClinVar variation 2122164 (VCV002122164.4), dbSNP rs754729105, ClinGen allele CA360820768.
Genomic context (GRCh38, chr5:127,331,376, plus strand): 5'-TTTCTTTGAACTCATGCCTGAGCTTTATTTGTTTATTGTTATGCCACTGGATTGGGACAG[C>A]ATCACCTCTGAATCTTGAAGACCCTAATGTGTGTAGCCACTGGGAAAGGTAATGGTTTTG-3'
Protein context (NP_001243474.1, residues 13-33): CLLLCHWIGT[Ala23Glu]SPLNLEDPNV